The following is an entry in ClinVar:

ClinVar aggregate classification (germline): Likely benign. Review status: criteria provided, multiple submitters, no conflicts (2 of 4 stars). 4 submissions from 4 submitters: Likely benign (4). Last evaluated 2025-10-03.

Conditions:
Aortic aneurysm, familial thoracic 4 (AAT4). Also called: AORTIC ANEURYSM/AORTIC DISSECTION AND PATENT DUCTUS ARTERIOSUS. Identifiers: MedGen C1851504, MONDO:0007568, OMIM 132900.
Familial thoracic aortic aneurysm and aortic dissection (TAAD). Also called: Thoracic aortic aneurysms and dissections. Identifiers: Orphanet 91387, MedGen C4707243, MONDO:0019625.

Allele frequency attached by ClinVar (database versions not stated): ExAC 0.00001; gnomAD 0.00001; gnomAD exomes 0.00001; TOPMed 0.00002.
gnomAD v4.1: 14 of 1,614,014 alleles (0.00087%); highest among the groups gnomAD compares: East Asian, 0.029%; no homozygotes.

Submissions (4):

Labcorp Genetics (formerly Invitae), Labcorp
Classification: Likely benign for Aortic aneurysm, familial thoracic 4. Last evaluated: 2025-10-03. Review status: criteria provided, single submitter. Criteria: Invitae Variant Classification Sherloc (09022015). Collection method: clinical testing. Allele origin: germline.

All of Us Research Program, National Institutes of Health
Classification: Likely benign for Familial thoracic aortic aneurysm and aortic dissection. Last evaluated: 2023-09-05. Review status: criteria provided, single submitter. Criteria: ACMG Guidelines, 2015. Collection method: clinical testing. Allele origin: germline. Inheritance: Autosomal dominant inheritance. Observed: 1 variant allele, 1 heterozygote.
Comment: This study involves interpretation of variants in research participants for the purpose of population health screening. Participant phenotype was not available at the time of variant classification. Additional details can be found in publication PMID: 35346344, PMCID: PMC8962531

Women's Health and Genetics/Laboratory Corporation of America, LabCorp
Classification: Likely benign. Last evaluated: 2023-04-10. Review status: criteria provided, single submitter. Criteria: LabCorp Variant Classification Summary - May 2015. Collection method: clinical testing. Allele origin: germline.

Color Diagnostics, LLC DBA Color Health
Classification: Likely benign for Familial thoracic aortic aneurysm and aortic dissection. Last evaluated: 2018-10-30. Review status: criteria provided, single submitter. Criteria: ACMG Guidelines, 2015. Collection method: clinical testing. Allele origin: germline.

NM_002474.3(MYH11):c.573C>T (p.Val191=)

Gene: MYH11 (myosin heavy chain 11; minus strand). Cytogenetic location: 16p13.11.
Variant type: single nucleotide variant.
Coding change: c.573C>T on transcript NM_002474.3 (MANE Select); coding-DNA position 573, C replaced by T.
Protein change: p.Val191=; no amino-acid change (valine 191 retained).
Molecular consequence: synonymous variant.
Genome position (GRCh38, 1-based): chr16:15,786,690, G>A on the plus strand (C>T on the coding strand, the complement: MYH11 is on the minus strand). VCF-style: chr16-15786690-G-A. GRCh37 (hg19) VCF-style: chr16-15880547-G-A.
Other names: c.573C>T, p.Val191= (NM_001040113.2, NM_001040114.2, NM_022844.3).
Identifiers: ClinVar variation 921874 (VCV000921874.5), dbSNP rs763981310, ClinGen allele CA7922932.
Genomic context (GRCh38, chr16:15,786,690, plus strand): 5'-CGTGATACTTGTGTCTTTCTTGCCCTTGTGGGAGGAGGCCACCACGGCCAGGTACTGAAT[G>A]ACCTTCTTGGTGTTTTCGGTTTTCCCGGCTCCAGACTCGCCTCTGAAAGACACGGGAACA-3'
Protein context (NP_002465.1, residues 181-201): GAGKTENTKK[Val191=]IQYLAVVASS